The following is an entry in ClinVar:

ClinVar aggregate classification (germline): Pathogenic (1 of 4 stars; one submission).

Submission:

GeneDx
Classification: Pathogenic. Last evaluated: 2024-02-09. Review status: criteria provided, single submitter. Criteria: GeneDx Variant Classification Process June 2021. Collection method: clinical testing. Allele origin: germline. Affected: yes.
Comment: Nonsense variant predicted to result in protein truncation or nonsense mediated decay in a gene for which loss of function is a known mechanism of disease; Not observed at significant frequency in large population cohorts (gnomAD); Has not been previously published as pathogenic or benign to our knowledge

NM_001292034.3(TAB2):c.542T>G (p.Leu181Ter)

Gene: TAB2 (TGF-beta activated kinase 1 (MAP3K7) binding protein 2; plus strand). Cytogenetic location: 6q25.1.
Variant type: single nucleotide variant.
Coding change: c.542T>G on transcript NM_001292034.3 (MANE Select); coding-DNA position 542, T replaced by G.
Protein change: p.Leu181Ter; replaces leucine 181 with a stop codon.
Molecular consequence: nonsense.
Genome position (GRCh38, 1-based): chr6:149,378,457, T>G. VCF-style: chr6-149378457-T-G. GRCh37 (hg19) VCF-style: chr6-149699593-T-G.
Other names: c.446T>G, p.Leu149Ter (NM_001292035.3); c.542T>G, p.Leu181Ter (NM_001369506.1, NM_015093.6); short protein forms L149*, L181*.
Identifiers: ClinVar variation 3368828 (VCV003368828.1).